The following is an entry in ClinVar:

ClinVar aggregate classification (germline): Conflicting classifications of pathogenicity. Review status: criteria provided, conflicting classifications (1 of 4 stars). 3 submissions from 3 submitters: Uncertain significance (2); Likely benign (1). Last evaluated 2024-07-29.

Conditions:
Autosomal recessive limb-girdle muscular dystrophy type 2J (LGMDR10). Also called: Limb-girdle muscular dystrophy, type 2J; MUSCULAR DYSTROPHY, LIMB-GIRDLE, AUTOSOMAL RECESSIVE 10. Identifiers: Orphanet 140922, MedGen C1837342, MONDO:0012127, OMIM 608807.
Dilated cardiomyopathy 1G (CMD1G). Identifiers: Orphanet 154, MedGen C1858763, MONDO:0011400, OMIM 604145.
Cardiovascular phenotype. Identifiers: MedGen CN230736.

Submissions (3):

Ambry Genetics
Classification: Likely benign for Cardiovascular phenotype. Last evaluated: 2024-07-29. Review status: criteria provided, single submitter. Criteria: Ambry Variant Classification Scheme 2023. Collection method: clinical testing. Allele origin: germline.

GeneDx
Classification: Uncertain significance. Last evaluated: 2022-10-26. Review status: criteria provided, single submitter. Criteria: GeneDx Variant Classification Process June 2021. Collection method: clinical testing. Allele origin: germline. Affected: yes.
Comment: Not observed at significant frequency in large population cohorts (gnomAD); Missense variant in a gene in which most reported pathogenic variants are truncating/loss of function; Has not been previously published as pathogenic or benign to our knowledge

Labcorp Genetics (formerly Invitae), Labcorp
Classification: Uncertain significance for Dilated cardiomyopathy 1G; Autosomal recessive limb-girdle muscular dystrophy type 2J. Last evaluated: 2017-07-21. Review status: criteria provided, single submitter. Criteria: Invitae Variant Classification Sherloc (09022015). Collection method: clinical testing. Allele origin: germline.

NM_001267550.2(TTN):c.61244_61245inv (p.Thr20415Met)

Genes: TTN (titin; minus strand), TTN-AS1 (TTN antisense RNA 1; plus strand). Cytogenetic location: 2q31.2.
Variant type: Inversion.
Coding change: c.61244_61245inv on transcript NM_001267550.2 (MANE Select).
Protein change: p.Thr20415Met; replaces threonine 20415 with methionine.
Molecular consequence: missense variant.
Genome position: GRCh38 VCF-style: chr2-178590480-TG-CA. GRCh37 (hg19) VCF-style: chr2-179455207-TG-CA.
Other names: c.34049_34050delCAinsTG (NM_003319.4); c.56321_56322inv, p.Thr18774Met (NM_001256850.1); c.34049_34050inv, p.Thr11350Met (NM_003319.4); c.53540_53541inv, p.Thr17847Met (NM_133378.4); c.34424_34425inv, p.Thr11475Met (NM_133432.3); c.34625_34626inv, p.Thr11542Met (NM_133437.4); c.61244_61245delinsTG (NM_001267550.1); short protein forms T11350M, T18774M, T11475M, T11542M, T17847M, T20415M.
Identifiers: ClinVar variation 467338 (VCV000467338.5), ClinGen allele CA658657140.